The following continues an entry in ClinVar:

NM_000492.4(CFTR):c.349C>T (p.Arg117Cys)

Gene: CFTR. ClinVar aggregate classification (germline): Pathogenic; drug response. Pathogenic (1).

Submissions 16 to 33 of 33:

Quest Diagnostics Nichols Institute San Juan Capistrano
Classification: Pathogenic. Last evaluated: 2023-07-20. Review status: criteria provided, single submitter. Criteria: Quest Diagnostics criteria. Collection method: clinical testing. Allele origin: unknown. Not counted in ClinVar's aggregate classification.
Comment: The CFTR c.349C>T (p.Arg117Cys) variant has been reported in the published literature in compound heterozygous individuals with classic CF (PMIDs: 31523618 (2019), 24586523 (2014), 21783433 (2011), 11788090 (2001), 7525450 (1994)), and CFTR-related disorders (PMIDs: 28801929 (2017), 22658665 (2012), 21520337 (2011), 7529962 (1995)). In addition, functional studies indicate this variant has deleterious effects on CFTR protein processing and chloride channel conductance (PMIDs: 23891399 (2014), 23974870 (2013), 20932301 (2010)). The frequency of this variant in the general population, 0.0015 (38/26094 chromosomes (Genome Aggregation Database)), is uninformative in the assessment of its pathogenicity. Analysis of this variant using bioinformatics tools for the prediction of the effect of amino acid changes on protein structure and function yielded predictions that this variant is damaging. Based on the available information, this variant is classified as pathogenic.

Mayo Clinic Laboratories, Mayo Clinic
Classification: Pathogenic. Last evaluated: 2022-05-12. Review status: criteria provided, single submitter. Criteria: ACMG Guidelines, 2015. Collection method: clinical testing. Allele origin: germline. Observed: 5 variant alleles. Not counted in ClinVar's aggregate classification.
Comment: PP3, PM2_moderate

Genome-Nilou Lab
Classification: Pathogenic for Cystic fibrosis. Last evaluated: 2021-07-22. Review status: criteria provided, single submitter. Criteria: ACMG Guidelines, 2015. Collection method: clinical testing. Allele origin: germline. Affected: no. Not counted in ClinVar's aggregate classification.

Genomic Research Center, Shahid Beheshti University of Medical Sciences
Classification: Pathogenic for Cystic fibrosis. Last evaluated: 2020-05-03. Review status: criteria provided, single submitter. Criteria: ACMG Guidelines, 2015. Collection method: clinical testing. Allele origin: unknown. Affected: yes. Not counted in ClinVar's aggregate classification.

Genome Diagnostics Laboratory, The Hospital for Sick Children
Classification: Pathogenic for Cystic fibrosis. Last evaluated: 2019-06-18. Review status: criteria provided, single submitter. Criteria: ACMG Guidelines, 2015. Collection method: clinical testing. Allele origin: germline. Not counted in ClinVar's aggregate classification.

Illumina Laboratory Services, Illumina
Classification: Pathogenic for CFTR-Related Disorders. Last evaluated: 2019-01-11. Review status: criteria provided, single submitter. Criteria: ICSL Variant Classification Criteria 09 May 2019. Collection method: clinical testing. Allele origin: germline. Not counted in ClinVar's aggregate classification.
Comment: Across a selection of the available literature, the CFTR c.349C>T (p.Arg117Cys) missense variant has been identified in a total of 17 individuals, including in a homozygous state in three with cystic fibrosis (CF) and in a compound heterozygous state in 11 with CF and three individuals with congenital bilateral absence of the vas deferens (CBAVD) (DÃ¶rk et al. 1994; Massie et al. 2001; Wilschanski et al. 2006; Steiner et al. 2011; Costa et al. 2011; Schippa et al. 2013; ZiÄ™tkiewicz et al. 2014; Lundman et al. 2016). The p.Arg117Cys variant was frequently found in trans with p.Phe508del variant. The p.Arg117Cys variant is also reported in 141 individuals in the CFTR2 database. Control data are unavailable for this variant, which is reported at a frequency of 0.000388 in the European (non-Finnish) population of the Genome Aggregation Database. Sosnay et al. (2013) and Van Goor et al. (2014) demonstrated that the p.Arg117Cys variant resulted in significantly reduced chloride ion conductance and transport, as compared to wild type. The pathogenicity of the p.Arg117Cys variant is affected by a specific intronic variation in CFTR, termed the poly-T tract, which occurs in three forms (5T/7T/9T). Depending on which poly-T form is present in the same copy of the CFTR gene with p.Arg117Cys, differing clinical outcomes may occur. Based on the evidence, the p.Arg117Cys variant is classified as pathogenic for CFTR-related disorders. This variant was observed by ICSL as part of a predisposition screen in an ostensibly healthy population.

Mendelics
Classification: Pathogenic for Cystic fibrosis. Last evaluated: 2018-11-05. Review status: criteria provided, single submitter. Criteria: Mendelics Assertion Criteria 2017. Collection method: clinical testing. Allele origin: unknown. Affected: yes. Not counted in ClinVar's aggregate classification.

CFTR-France
Classification: Pathogenic for cystic fibrosis; CFTR-related disorders. Last evaluated: 2018-01-29. Review status: criteria provided, single submitter. Criteria: Claustres M et al. (Hum Mutat 2017). Collection method: curation. Allele origin: germline. Affected: yes and no. Not counted in ClinVar's aggregate classification.
Comment: when the variant is in trans with another CF-causing variation, can either result in CF or in a CFTR-RD

Eurofins Ntd Llc (ga)
Classification: Pathogenic. Last evaluated: 2017-12-06. Review status: criteria provided, single submitter. Criteria: EGL Classification Definitions 2015. Collection method: clinical testing. Allele origin: germline. Observed: 1 variant allele, 1 heterozygote. Not counted in ClinVar's aggregate classification.

Clinical Genetics and Genomics, Karolinska University Hospital
Classification: Pathogenic. Last evaluated: 2014-07-31. Review status: criteria provided, single submitter. Criteria: ACMG Guidelines, 2015. Collection method: clinical testing. Allele origin: germline. Affected: yes. Observed: 2 variant alleles. Not counted in ClinVar's aggregate classification.

Baylor Genetics
Classification: Pathogenic for Congenital bilateral aplasia of vas deferens from CFTR mutation; Cystic fibrosis. Review status: criteria provided, single submitter. Criteria: ACMG Guidelines, 2015. Collection method: clinical testing. Allele origin: germline. Not counted in ClinVar's aggregate classification.

Juno Genomics, Hangzhou Juno Genomics, Inc
Classification: Pathogenic for Cystic fibrosis. Review status: criteria provided, single submitter. Criteria: ACMG Guidelines, 2015. Collection method: clinical testing. Allele origin: germline. Not counted in ClinVar's aggregate classification.
Comment: Absent from controls (or at extremely low frequency if recessive) in Genome Aggregation Database.;Multiple lines of computational evidence support a deleterious effect on the gene or gene product.;For recessive disorders, detected in trans with a pathogenic variant.;Patient's phenotype or family history is highly specific for a disease with a single genetic etiology.

Kariminejad - Najmabadi Pathology & Genetics Center
Classification: Pathogenic for Cystic fibrosis. Review status: criteria provided, single submitter. Criteria: ACMG Guidelines, 2015. Collection method: clinical testing. Allele origin: germline. Affected: no. Not counted in ClinVar's aggregate classification.

Genome Diagnostics Laboratory, The Hospital for Sick Children
Classification: Pathogenic for CFTR-related disorders. Last evaluated: 2019-06-18. Review status: no assertion criteria provided. Collection method: clinical testing. Allele origin: germline. Not counted in ClinVar's aggregate classification.

Counsyl
Classification: Pathogenic for Cystic fibrosis. Last evaluated: 2015-11-24. Review status: no assertion criteria provided. Collection method: clinical testing. Allele origin: unknown. Not counted in ClinVar's aggregate classification.

Clinical Genetics DNA and cytogenetics Diagnostics Lab, Erasmus MC, Erasmus Medical Center
Classification: Pathogenic. Review status: no assertion criteria provided. Collection method: clinical testing. Allele origin: germline. Affected: yes. Study: VKGL Data-share Consensus. Not counted in ClinVar's aggregate classification.

Diagnostic Laboratory, Department of Genetics, University Medical Center Groningen
Classification: Pathogenic. Review status: no assertion criteria provided. Collection method: clinical testing. Allele origin: germline. Affected: yes. Study: VKGL Data-share Consensus. Not counted in ClinVar's aggregate classification.

Joint Genome Diagnostic Labs from Nijmegen and Maastricht, Radboudumc and MUMC+
Classification: Likely pathogenic. Review status: no assertion criteria provided. Collection method: clinical testing. Allele origin: germline. Affected: yes. Study: VKGL Data-share Consensus. Not counted in ClinVar's aggregate classification.

Literature cited by the submitters: PubMed 23891399 (cited by 6 submitters); PubMed 26795017 (cited by Victorian Clinical Genetics Services, Murdoch Childrens Research Institute and Illumina Laboratory Services, Illumina); PubMed 7525450 (cited by 6 submitters); PubMed 7529962 (cited by 3 submitters); PubMed 11788090 (cited by 4 submitters); PubMed 15482777 (cited by 3 submitters); PubMed 21520337 (cited by 4 submitters); PubMed 21783433 (cited by 5 submitters); PubMed 22658665 (cited by 3 submitters); PubMed 23974870 (cited by 5 submitters); PubMed 24586523 (cited by 5 submitters); PubMed 18449561 (cited by Labcorp Genetics (formerly Invitae), Labcorp and Dasa); PubMed 20932301 (cited by 3 submitters); PubMed 30888834 (cited by Natera, Inc.); PubMed 11119745 (cited by 3billion); PubMed 16189704 (cited by Ambry Genetics); PubMed 23523379 (cited by Ambry Genetics); PubMed 25024266 (cited by Ambry Genetics); PubMed 28801929 (cited by Quest Diagnostics Nichols Institute San Juan Capistrano); PubMed 34405919 (cited by Quest Diagnostics Nichols Institute San Juan Capistrano); PubMed 31523618 (cited by Quest Diagnostics Nichols Institute San Juan Capistrano); PubMed 23613805 (cited by Illumina Laboratory Services, Illumina); PubMed 11491164 (cited by Illumina Laboratory Services, Illumina); PubMed 16840743 (cited by Illumina Laboratory Services, Illumina).